The following is an entry in ClinVar:

ClinVar aggregate classification (germline): Uncertain significance (1 of 4 stars; one submission).

Submission:

Labcorp Genetics (formerly Invitae), Labcorp
Classification: Uncertain significance. Last evaluated: 2024-08-28. Review status: criteria provided, single submitter. Criteria: Invitae Variant Classification Sherloc (09022015). Collection method: clinical testing. Allele origin: germline.
Comment: This sequence change replaces lysine, which is basic and polar, with asparagine, which is neutral and polar, at codon 988 of the RNF31 protein (p.Lys988Asn). This variant is not present in population databases (gnomAD no frequency). This variant has not been reported in the literature in individuals affected with RNF31-related conditions. An algorithm developed to predict the effect of missense changes on protein structure and function (PolyPhen-2) suggests that this variant is likely to be tolerated. In summary, the available evidence is currently insufficient to determine the role of this variant in disease. Therefore, it has been classified as a Variant of Uncertain Significance.

NM_017999.5(RNF31):c.2964G>C (p.Lys988Asn)

Gene: RNF31 (ring finger protein 31; plus strand). Cytogenetic location: 14q12.
Variant type: single nucleotide variant.
Coding change: c.2964G>C on transcript NM_017999.5 (MANE Select); coding-DNA position 2964, G replaced by C.
Protein change: p.Lys988Asn; replaces lysine 988 with asparagine.
Molecular consequence: missense variant.
Genome position (GRCh38, 1-based): chr14:24,159,928, G>C. VCF-style: chr14-24159928-G-C. GRCh37 (hg19) VCF-style: chr14-24629137-G-C.
Other names: c.2511G>C, p.Lys837Asn (NM_001310332.2); short protein forms K988N, K837N.
Identifiers: ClinVar variation 3663073 (VCV003663073.2).
Genomic context (GRCh38, chr14:24,159,928, plus strand): 5'-CTGCCGAGTGATAGAGCAGAAGGAGGTTCCCAATGGGCTCAGGGACGAAGCTTGTGGCAA[G>C]GAAACTCCAGCTGGCTATGCCGGCCTGTGCCAGTGAGTGCCAGCAGGACATGGGCATGGT-3'
Protein context (NP_060469.4, residues 978-998): PNGLRDEACG[Lys988Asn]ETPAGYAGLC